The following is an entry in ClinVar:

ClinVar aggregate classification (germline): Conflicting classifications of pathogenicity. Review status: criteria provided, conflicting classifications (1 of 4 stars). 2 submissions from 2 submitters: Pathogenic (1); Uncertain significance (1). Last evaluated 2023-02-14.

Conditions:
Spastic paraplegia. Identifiers: MedGen C0037772, HP:0001258.
Charlevoix-Saguenay spastic ataxia (SACS). Also called: AUTOSOMAL RECESSIVE SPASTIC ATAXIA OF CHARLEVOIX-SAGUENAY; SPASTIC ATAXIA 6, AUTOSOMAL RECESSIVE; Spastic ataxia of Charlevoix-Saguenay. Identifiers: Orphanet 98, MedGen C1849140, MONDO:0010041, OMIM 270550.

Submissions (2):

Neuberg Centre For Genomic Medicine, NCGM
Classification: Uncertain significance for Charlevoix-Saguenay spastic ataxia. Last evaluated: 2023-02-14. Review status: criteria provided, single submitter. Criteria: ACMG Guidelines, 2015. Collection method: clinical testing. Allele origin: germline. Inheritance: Autosomal recessive inheritance. Affected: yes.
Comment: The frame shift c.7539_7540del (p.Cys2514PhefsTer19) variant in SACS gene has not been reported previously as a pathogenic variant nor as a benign variant, to our knowledge. This variant is reported with the allele frequency (0.0003%) in the gnomAD Exomes and novel in 1000. The variant has been reported as Pathogenic in ClinVar database, but no details are available for independent assessment. This variant causes a frameshift starting with codon Cysteine 2514, changes this amino acid to Phenylalanine residue, and creates a premature Stop codon at position 19 of the new reading frame, denoted p.Cys2514PhefsTer19. Loss of function variants have been previously reported to be disease causing. However, since this variant is present in the last exon, further studies will be required to prove protein truncation. For these reasons, this variant has been classified as Uncertain Significance.

Labcorp Genetics (formerly Invitae), Labcorp
Classification: Pathogenic for Spastic paraplegia. Last evaluated: 2021-05-12. Review status: criteria provided, single submitter. Criteria: Invitae Variant Classification Sherloc (09022015). Collection method: clinical testing. Allele origin: germline.
Comment: For these reasons, this variant has been classified as Pathogenic. This variant disrupts the C-terminus of the SACS protein. Other variant(s) that disrupt this region (p.Tyr4538*) have been determined to be pathogenic (Invitae). This suggests that variants that disrupt this region of the protein are likely to be causative of disease. This variant has not been reported in the literature in individuals with SACS-related conditions. This variant is not present in population databases (ExAC no frequency). This sequence change creates a premature translational stop signal (p.Cys2514Phefs*19) in the SACS gene. While this is not anticipated to result in nonsense mediated decay, it is expected to disrupt the last 2066 amino acid(s) of the SACS protein.

NM_014363.6(SACS):c.7539_7540del (p.Cys2514fs)

Gene: SACS (sacsin molecular chaperone; minus strand). Cytogenetic location: 13q12.12.
Variant type: Deletion.
Coding change: c.7539_7540del on transcript NM_014363.6 (MANE Select); coding-DNA positions 7539 to 7540, 2 bases deleted (CT; older notation c.7539_7540delCT).
Protein change: p.Cys2514fs; shifts the reading frame from cysteine 2514.
Molecular consequence: frameshift variant.
Genome position (GRCh38, 1-based): chr13:23,336,336-23,336,337, AG deleted on the plus strand (CT on the coding strand, the reverse complement: SACS is on the minus strand); deleting any 2 consecutive bases within chr13:23,336,336-23,336,338 gives the same sequence; the c. name uses the placement nearest the transcript's 3' end. VCF-style (leftmost placement, unchanged base first): chr13-23336335-CAG-C. GRCh37 (hg19) VCF-style: chr13-23910474-CAG-C.
Other names: c.7098_7099del, p.Cys2367fs (NM_001278055.2); short protein forms C2367fs, C2514fs.
Identifiers: ClinVar variation 1451977 (VCV001451977.8), dbSNP rs1467848128, ClinGen allele CA608985255.